The following is an entry in ClinVar:

ClinVar aggregate classification (germline): Conflicting classifications of pathogenicity. Review status: criteria provided, conflicting classifications (1 of 4 stars). 2 submissions from 2 submitters: Uncertain significance (1); Likely benign (1). Last evaluated 2025-10-14.

Conditions:
DiGeorge syndrome. Also called: Catch22; THIRD AND FOURTH PHARYNGEAL POUCH SYNDROME. Identifiers: Orphanet 567, MedGen C0012236, MONDO:0008564, OMIM 188400.

Allele frequency attached by ClinVar (database versions not stated): ExAC 0.00002; gnomAD exomes 0.00003 and 0.00005; gnomAD 0.00009; TOPMed 0.00009.
gnomAD v4.1: 62 of 1,613,882 alleles (0.0038%); highest among the groups gnomAD compares: Admixed American, 0.043%; 1 homozygote.

Submissions (2):

Labcorp Genetics (formerly Invitae), Labcorp
Classification: Likely benign for DiGeorge syndrome. Last evaluated: 2025-10-14. Review status: criteria provided, single submitter. Criteria: Invitae Variant Classification Sherloc (09022015). Collection method: clinical testing. Allele origin: germline.

Women's Health and Genetics/Laboratory Corporation of America, LabCorp
Classification: Uncertain significance. Last evaluated: 2025-03-13. Review status: criteria provided, single submitter. Criteria: LabCorp Variant Classification Summary - May 2015. Collection method: clinical testing. Allele origin: germline.
Comment: Variant summary: TBX1 c.512+7G>A alters a non-conserved nucleotide located close to a canonical splice site and therefore could affect mRNA splicing, leading to a significantly altered protein sequence. Consensus agreement among computation tools predict no significant impact on normal splicing. However, these predictions have yet to be confirmed by functional studies. The variant allele was found at a frequency of 4.8e-05 in 251114 control chromosomes in the gnomAD database, including 1 homozygotes. This frequency is not significantly higher than estimated for a pathogenic variant in TBX1 causing TBX1-Related Disorders, allowing no conclusion about variant significance. To our knowledge, no occurrence of c.512+7G>A in individuals affected with TBX1-Related Disorders and no experimental evidence demonstrating its impact on protein function have been reported. ClinVar contains an entry for this variant (Variation ID: 1127203). Based on the evidence outlined above, the variant was classified as uncertain significance.

NM_001379200.1(TBX1):c.539+7G>A

Gene: TBX1 (T-box transcription factor 1; plus strand). Cytogenetic location: 22q11.21.
Variant type: single nucleotide variant.
Coding change: c.539+7G>A on transcript NM_001379200.1 (MANE Select); 7 bases into the intron after coding-DNA position 539, G replaced by A.
Molecular consequence: intron variant.
Genome position (GRCh38, 1-based): chr22:19,763,349, G>A. VCF-style: chr22-19763349-G-A. GRCh37 (hg19) VCF-style: chr22-19750872-G-A.
Other names: c.512+7G>A (NM_005992.1, NM_080646.2, NM_080647.1).
Identifiers: ClinVar variation 1127203 (VCV001127203.10), dbSNP rs780062926, ClinGen allele CA10102469.
Genomic context (GRCh38, chr22:19,763,349, plus strand): 5'-GGCCGACTATATGCTGCTCATGGACTTCGTGCCGGTGGACGATAAGCGCTACCGGTGAGC[G>A]AGTGGTTGTAAGCGTGAGGGACCGGGAGGGCACCCTGGAAAGTGGCGGGTCTCCGCCTGG-3'